The following is an entry in ClinVar:

ClinVar aggregate classification (germline): Pathogenic (1 of 4 stars; one submission).

Submission:

GeneDx
Classification: Pathogenic. Last evaluated: 2025-08-06. Review status: criteria provided, single submitter. Criteria: GeneDx Variant Classification Process June 2021. Collection method: clinical testing. Allele origin: germline. Affected: yes.
Comment: Nonsense variant predicted to result in protein truncation or nonsense mediated decay in a gene for which loss of function is a known mechanism of disease; Not observed at significant frequency in large population cohorts (gnomAD); Has not been previously published as pathogenic or benign to our knowledge

NM_001366521.1(ATP2B1):c.559C>T (p.Arg187Ter)

Gene: ATP2B1 (ATPase plasma membrane Ca2+ transporting 1; minus strand). Cytogenetic location: 12q21.33.
Variant type: single nucleotide variant.
Coding change: c.559C>T on transcript NM_001366521.1 (MANE Select); coding-DNA position 559, C replaced by T.
Protein change: p.Arg187Ter; replaces arginine 187 with a stop codon.
Molecular consequence: nonsense. On other transcripts: non-coding transcript variant (3), intron variant (7).
Genome position (GRCh38, 1-based): chr12:89,635,099, G>A on the plus strand (C>T on the coding strand, the complement: ATP2B1 is on the minus strand). VCF-style: chr12-89635099-G-A. GRCh37 (hg19) VCF-style: chr12-90028876-G-A.
Other names: c.559C>T, p.Arg187Ter (NM_001001323.2, NM_001366520.1, NM_001366522.1 and 17 more transcripts); c.406+7059C>T (NM_001413060.1, NM_001366531.1, NM_001413058.1 and 2 more transcripts); c.407-196C>T (NM_001413056.1); c.209-196C>T (NM_001413057.1); c.361C>T, p.Arg121Ter (NM_001366530.1, NM_001413053.1); short protein forms R121*, R187*.
Identifiers: ClinVar variation 4755753 (VCV004755753.1).
Genomic context (GRCh38, chr12:89,635,099, plus strand): 5'-CAGGTATCTGAATGACCTGACCACCCCTGATGACAGTGAACTTCTGTTCTTGTTCAATTC[G>A]GCTCTGCAAACCTCTAAACTGTTTTTCCTTACTCCAGTCATTGAAAGCTGTTACTAACAC-3'